The following is an entry in ClinVar:

ClinVar aggregate classification (germline): Uncertain significance. Review status: criteria provided, multiple submitters, no conflicts (2 of 4 stars). 2 submissions from 2 submitters: Uncertain significance (2). Last evaluated 2025-01-10.

Conditions:
Neurofibromatosis, type 1 (NF1). Also called: Peripheral type neurofibromatosis; Neurofibromatosis, type I; VON RECKLINGHAUSEN DISEASE; NEUROFIBROMATOSIS, TYPE I, SOMATIC. Identifiers: Orphanet 636, MedGen C0027831, MONDO:0018975, OMIM 162200. Disease mechanism: loss of function.
Hereditary cancer-predisposing syndrome. Also called: Neoplastic Syndromes, Hereditary; Hereditary neoplastic syndrome; Hereditary Cancer Syndrome; Tumor predisposition. Identifiers: Orphanet 140162, MedGen C0027672, MeSH D009386, MONDO:0015356.
Cardiovascular phenotype. Identifiers: MedGen CN230736.

Submissions (2):

Ambry Genetics
Classification: Uncertain significance for Cardiovascular phenotype; Hereditary cancer-predisposing syndrome. Last evaluated: 2025-01-10. Review status: criteria provided, single submitter. Criteria: Ambry Variant Classification Scheme 2023. Collection method: clinical testing. Allele origin: germline.
Comment: The p.R1825Q variant (also known as c.5474G>A), located in coding exon 37 of the NF1 gene, results from a G to A substitution at nucleotide position 5474. The arginine at codon 1825 is replaced by glutamine, an amino acid with highly similar properties. This amino acid position is highly conserved in available vertebrate species. In addition, this alteration is predicted to be deleterious by in silico analysis. Based on the available evidence, the clinical significance of this variant remains unclear.

Labcorp Genetics (formerly Invitae), Labcorp
Classification: Uncertain significance for Neurofibromatosis, type 1. Last evaluated: 2020-02-27. Review status: criteria provided, single submitter. Criteria: Invitae Variant Classification Sherloc (09022015). Collection method: clinical testing. Allele origin: germline.
Comment: This sequence change replaces arginine with glutamine at codon 1825 of the NF1 protein (p.Arg1825Gln). The arginine residue is moderately conserved and there is a small physicochemical difference between arginine and glutamine. This variant has not been reported in the literature in individuals with NF1-related conditions. In summary, the available evidence is currently insufficient to determine the role of this variant in disease. Therefore, it has been classified as a Variant of Uncertain Significance. Algorithms developed to predict the effect of missense changes on protein structure and function are either unavailable or do not agree on the potential impact of this missense change (SIFT: "Tolerated"; PolyPhen-2: "Probably Damaging"; Align-GVGD: "Class C0"). This variant is not present in population databases (ExAC no frequency).

NM_001042492.3(NF1):c.5537G>A (p.Arg1846Gln)

Gene: NF1 (neurofibromin 1; plus strand). Cytogenetic location: 17q11.2.
Variant type: single nucleotide variant.
Coding change: c.5537G>A on transcript NM_001042492.3 (MANE Select); coding-DNA position 5537, G replaced by A.
Protein change: p.Arg1846Gln; replaces arginine 1846 with glutamine.
Molecular consequence: missense variant.
Genome position (GRCh38, 1-based): chr17:31,327,767, G>A. VCF-style: chr17-31327767-G-A. GRCh37 (hg19) VCF-style: chr17-29654785-G-A.
Other names: c.5474G>A, p.Arg1825Gln (NM_000267.4); short protein forms R1846Q, R1825Q.
Identifiers: ClinVar variation 944389 (VCV000944389.10), dbSNP rs2069384348, ClinGen allele CA399009802.
Genomic context (GRCh38, chr17:31,327,767, plus strand): 5'-ATATCCGGACCCGCTGGGAACTGTCACAGCCCGACTCTATCCCCCAACACACCAAGATTC[G>A]GCCAAAAGATGTCCCTGGGACACTGCTCAATATCGCATTACTTAATTTAGGCAGTTCTGA-3'
Protein context (NP_001035957.1, residues 1836-1856): PDSIPQHTKI[Arg1846Gln]PKDVPGTLLN